The following is an entry in ClinVar:

NM_201384.3(PLEC):c.7450_7458del (p.Leu2484_Gln2486del)

Gene: PLEC (plectin; minus strand). Cytogenetic location: 8q24.3.
Variant type: Deletion.
Coding change: c.7450_7458del on transcript NM_201384.3 (MANE Select); coding-DNA positions 7450 to 7458, 9 bases deleted (CTGCTGCAG; older notation c.7450_7458delCTGCTGCAG).
Protein change: p.Leu2484_Gln2486del.
Molecular consequence: inframe deletion.
Genome position (GRCh38, 1-based): chr8:143,922,363-143,922,371, CTGCAGCAG deleted on the plus strand (CTGCTGCAG on the coding strand, the reverse complement: PLEC is on the minus strand); deleting any 9 consecutive bases within chr8:143,922,363-143,922,375 gives the same sequence; the c. name uses the placement nearest the transcript's 3' end. VCF-style (leftmost placement, unchanged base first): chr8-143922362-CCTGCAGCAG-C. GRCh37 (hg19) VCF-style: chr8-144996530-CCTGCAGCAG-C.
Other names: c.7531_7539del, p.Leu2511_Gln2513del (NM_000445.5); c.7408_7416del, p.Leu2470_Gln2472del (NM_201378.4); c.7384_7392del, p.Leu2462_Gln2464del (NM_201379.3); c.7861_7869del, p.Leu2621_Gln2623del (NM_201380.4); c.7354_7362del, p.Leu2452_Gln2454del (NM_201381.3); c.7450_7458del, p.Leu2484_Gln2486del (NM_201382.4); c.7462_7470del, p.Leu2488_Gln2490del (NM_201383.3).
Identifiers: ClinVar variation 938950 (VCV000938950.7), dbSNP rs1564005037, ClinGen allele CA586158264.
Genomic context (GRCh38, chr8:143,922,362, plus strand): 5'-GCTCCCGCTGTAGCAGGCTGTCCTTTTCAGAGAGGAAGCTTTGCTGCAGGGCCTGCGTCT[CCTGCAGCAG>C]CTGCTCCTGCTGCACCGTCTGCATCTGCAGAAGAAGAGGGTGTGATCAGGGACCGCCAGC-3'

ClinVar aggregate classification (germline): Uncertain significance (1 of 4 stars; one submission).

Conditions:
Epidermolysis bullosa simplex 5B, with muscular dystrophy (EBS5B). Also called: EPIDERMOLYSIS BULLOSA SIMPLEX AND LIMB-GIRDLE MUSCULAR DYSTROPHY; Epidermolysis bullosa simplex with muscular dystrophy. Identifiers: Orphanet 257, MedGen C2931072, MONDO:0009181, OMIM 226670.
Epidermolysis bullosa simplex, Ogna type (EBS5A). Also called: Pidermolysis bullosa simplex 5A, Ogna type; EPIDERMOLYSIS BULLOSA SIMPLEX 5A, OGNA TYPE. Identifiers: Orphanet 79401, MedGen C0432317, MONDO:0007555, OMIM 131950.
Epidermolysis bullosa simplex 5C, with pyloric atresia (EBS5C). Also called: Epidermolysis bullosa simplex with pyloric atresia; PLEC-Related Epidermolysis Bullosa with Pyloric Atresia; PLEC1-Related Epidermolysis Bullosa with Pyloric Atresia. Identifiers: Orphanet 158684, MedGen C2677349, MONDO:0012807, OMIM 612138.
Epidermolysis bullosa simplex with nail dystrophy (EBS5D). Identifiers: MedGen C4225309, MONDO:0014661, OMIM 616487.
Autosomal recessive limb-girdle muscular dystrophy type 2Q (LGMDR17). Also called: MUSCULAR DYSTROPHY, LIMB-GIRDLE, AUTOSOMAL RECESSIVE 17. Identifiers: Orphanet 254361, MedGen C3150989, MONDO:0013390, OMIM 613723.

Submission:

Labcorp Genetics (formerly Invitae), Labcorp
Classification: Uncertain significance for Autosomal recessive limb-girdle muscular dystrophy type 2Q; Epidermolysis bullosa simplex, Ogna type; Epidermolysis bullosa simplex with nail dystrophy; Epidermolysis bullosa simplex 5C, with pyloric atresia; Epidermolysis bullosa simplex 5B, with muscular dystrophy. Last evaluated: 2025-10-29. Review status: criteria provided, single submitter. Criteria: Invitae Variant Classification Sherloc (09022015). Collection method: clinical testing. Allele origin: germline.
Comment: This variant, c.7531_7539del, results in the deletion of 3 amino acid(s) of the PLEC protein (p.Leu2511_Gln2513del), but otherwise preserves the integrity of the reading frame. This variant is present in population databases (no rsID available, gnomAD 0.003%). This variant has not been reported in the literature in individuals affected with PLEC-related conditions. ClinVar contains an entry for this variant (Variation ID: 938950). Experimental studies and prediction algorithms are not available or were not evaluated, and the functional significance of this variant is currently unknown. In summary, the available evidence is currently insufficient to determine the role of this variant in disease. Therefore, it has been classified as a Variant of Uncertain Significance.